The following is an entry in ClinVar:

NM_004064.5(CDKN1B):c.124A>G (p.Thr42Ala)

Gene: CDKN1B (cyclin dependent kinase inhibitor 1B; plus strand). Cytogenetic location: 12p13.1.
Variant type: single nucleotide variant.
Coding change: c.124A>G on transcript NM_004064.5 (MANE Select); coding-DNA position 124, A replaced by G.
Protein change: p.Thr42Ala; replaces threonine 42 with alanine.
Molecular consequence: missense variant.
Genome position (GRCh38, 1-based): chr12:12,717,963, A>G. VCF-style: chr12-12717963-A-G. GRCh37 (hg19) VCF-style: chr12-12870897-A-G.
Other names: short protein forms T42A.
Identifiers: ClinVar variation 651633 (VCV000651633.15), dbSNP rs1592280811, ClinGen allele CA383968780.

ClinVar aggregate classification (germline): Uncertain significance. Review status: criteria provided, multiple submitters, no conflicts (2 of 4 stars). 3 submissions from 3 submitters: Uncertain significance (3). Last evaluated 2025-12-28.

Conditions:
Multiple endocrine neoplasia type 4. Also called: MULTIPLE ENDOCRINE NEOPLASIA, TYPE IV. Identifiers: Orphanet 276152, MedGen C1970712, MONDO:0012552, OMIM 610755.
Hereditary cancer-predisposing syndrome. Also called: Hereditary Cancer Syndrome; Tumor predisposition; Neoplastic Syndromes, Hereditary; Hereditary neoplastic syndrome. Identifiers: Orphanet 140162, MedGen C0027672, MeSH D009386, MONDO:0015356.

Allele frequency attached by ClinVar (database versions not stated): gnomAD exomes 0.00001.
gnomAD v4.1: 11 of 1,614,158 alleles (0.00068%); highest among the groups gnomAD compares: Non-Finnish European, 0.00085%; no homozygotes.

Submissions (3):

Labcorp Genetics (formerly Invitae), Labcorp
Classification: Uncertain significance for Multiple endocrine neoplasia type 4. Last evaluated: 2025-12-28. Review status: criteria provided, single submitter. Criteria: Invitae Variant Classification Sherloc (09022015). Collection method: clinical testing. Allele origin: germline.
Comment: This sequence change replaces threonine, which is neutral and polar, with alanine, which is neutral and non-polar, at codon 42 of the CDKN1B protein (p.Thr42Ala). This variant is not present in population databases (gnomAD no frequency). This variant has not been reported in the literature in individuals affected with CDKN1B-related conditions. ClinVar contains an entry for this variant (Variation ID: 651633). An algorithm developed to predict the effect of missense changes on protein structure and function (PolyPhen-2) suggests that this variant is likely to be tolerated. In summary, the available evidence is currently insufficient to determine the role of this variant in disease. Therefore, it has been classified as a Variant of Uncertain Significance.

Ambry Genetics
Classification: Uncertain significance for Hereditary cancer-predisposing syndrome. Last evaluated: 2024-10-11. Review status: criteria provided, single submitter. Criteria: Ambry Variant Classification Scheme 2023. Collection method: clinical testing. Allele origin: germline.
Comment: The p.T42A variant (also known as c.124A>G), located in coding exon 1 of the CDKN1B gene, results from an A to G substitution at nucleotide position 124. The threonine at codon 42 is replaced by alanine, an amino acid with similar properties. This amino acid position is not well conserved in available vertebrate species. In addition, this alteration is predicted to be tolerated by in silico analysis. Since supporting evidence is limited at this time, the clinical significance of this alteration remains unclear.

Baylor Genetics
Classification: Uncertain significance for Multiple endocrine neoplasia type 4. Last evaluated: 2023-08-09. Review status: criteria provided, single submitter. Criteria: ACMG Guidelines, 2015. Collection method: clinical testing. Allele origin: unknown.

Literature cited by the submitters: PubMed 28425505 (cited by Ambry Genetics).